The following is an entry in ClinVar:

NM_000302.4(PLOD1):c.1511_1513del (p.His504del)

Gene: PLOD1 (procollagen-lysine,2-oxoglutarate 5-dioxygenase 1; plus strand). Cytogenetic location: 1p36.22.
Variant type: Deletion.
Coding change: c.1511_1513del on transcript NM_000302.4 (MANE Select); coding-DNA positions 1511 to 1513, 3 bases deleted (ATC; older notation c.1511_1513delATC).
Protein change: p.His504del; deletes histidine 504.
Molecular consequence: inframe deletion.
Genome position (GRCh38, 1-based): chr1:11,965,520-11,965,522, ATC deleted; deleting any 3 consecutive bases within chr1:11,965,519-11,965,522 gives the same sequence; the c. name uses the placement nearest the transcript's 3' end. VCF-style (leftmost placement, unchanged base first): chr1-11965518-CCAT-C. GRCh37 (hg19) VCF-style: chr1-12025575-CCAT-C.
Other names: c.1652_1654del, p.His551del (NM_001316320.2); short protein forms H551del, H504del.
Identifiers: ClinVar variation 1469422 (VCV001469422.6), dbSNP rs2100759209, ClinGen allele CA2573130764.
Genomic context (GRCh38, chr1:11,965,518, plus strand): 5'-CCACCGGGCCTGTCCTCCCCAGGATGTGTTCATGTTCCTGACCAACCGGCACACCCTTGG[CCAT>C]CTGCTCTCCCTAGACAGCTACCGCACCACCCACCTGCACAACGACCTCTGGGAGGTGTTC-3'

ClinVar aggregate classification (germline): Uncertain significance (1 of 4 stars; one submission).

Conditions:
Ehlers-Danlos syndrome, kyphoscoliotic type 1 (EDSKSCL1). Also called: EHLERS-DANLOS SYNDROME, OCULAR-SCOLIOTIC TYPE; Ehlers-Danlos syndrome, hydroxylysine-deficient; EHLERS-DANLOS SYNDROME, TYPE VIA; PLOD1-Related Kyphoscoliotic Ehlers-Danlos Syndrome. Identifiers: Orphanet 1900, MedGen C0268342, MONDO:0016002, OMIM 225400. Disease mechanism: loss of function.

Submission:

Labcorp Genetics (formerly Invitae), Labcorp
Classification: Uncertain significance for Ehlers-Danlos syndrome, kyphoscoliotic type 1. Last evaluated: 2022-08-16. Review status: criteria provided, single submitter. Criteria: Invitae Variant Classification Sherloc (09022015). Collection method: clinical testing. Allele origin: germline.
Comment: This variant is not present in population databases (gnomAD no frequency). This variant, c.1511_1513del, results in the deletion of 1 amino acid(s) of the PLOD1 protein (p.His504del), but otherwise preserves the integrity of the reading frame. This variant has not been reported in the literature in individuals affected with PLOD1-related conditions. In summary, the available evidence is currently insufficient to determine the role of this variant in disease. Therefore, it has been classified as a Variant of Uncertain Significance. Experimental studies and prediction algorithms are not available or were not evaluated, and the functional significance of this variant is currently unknown. ClinVar contains an entry for this variant (Variation ID: 1469422).